The following is an entry in ClinVar:

ClinVar aggregate classification (germline): Uncertain significance (1 of 4 stars; one submission).

gnomAD v4.1: 12 of 1,614,098 alleles (0.00074%); highest among the groups gnomAD compares: African/African-American, 0.0013%; no homozygotes.

Submission:

Labcorp Genetics (formerly Invitae), Labcorp
Classification: Uncertain significance. Last evaluated: 2022-01-28. Review status: criteria provided, single submitter. Criteria: Invitae Variant Classification Sherloc (09022015). Collection method: clinical testing. Allele origin: germline.
Comment: In summary, the available evidence is currently insufficient to determine the role of this variant in disease. Therefore, it has been classified as a Variant of Uncertain Significance. Algorithms developed to predict the effect of missense changes on protein structure and function output the following: SIFT: "Not Available"; PolyPhen-2: "Benign"; Align-GVGD: "Not Available". The methionine amino acid residue is found in multiple mammalian species, which suggests that this missense change does not adversely affect protein function. This variant has not been reported in the literature in individuals affected with UNC45A-related conditions. This variant is present in population databases (rs372041026, gnomAD 0.0009%). This sequence change replaces isoleucine with methionine at codon 539 of the UNC45A protein (p.Ile539Met). The isoleucine residue is moderately conserved and there is a small physicochemical difference between isoleucine and methionine.

NM_018671.5(UNC45A):c.1617C>G (p.Ile539Met)

Gene: UNC45A (unc-45 myosin chaperone A; plus strand). Cytogenetic location: 15q26.1.
Variant type: single nucleotide variant.
Coding change: c.1617C>G on transcript NM_018671.5 (MANE Select); coding-DNA position 1617, C replaced by G.
Protein change: p.Ile539Met; replaces isoleucine 539 with methionine.
Molecular consequence: missense variant.
Genome position (GRCh38, 1-based): chr15:90,948,163, C>G. VCF-style: chr15-90948163-C-G. GRCh37 (hg19) VCF-style: chr15-91491393-C-G.
Other names: c.1572C>G, p.Ile524Met (NM_001039675.2, NM_001323621.2); c.1617C>G, p.Ile539Met (NM_001323619.1); c.1182C>G, p.Ile394Met (NM_001323620.2); short protein forms I394M, I524M, I539M.
Identifiers: ClinVar variation 1352896 (VCV001352896.4), dbSNP rs372041026, ClinGen allele CA7742992.